The following is an entry in ClinVar:

ClinVar aggregate classification (germline): Benign (1 of 4 stars; one submission).

Allele frequency attached by ClinVar (database versions not stated): 1000 Genomes Project 0.68391; 1000 Genomes Project 30x 0.68707; TOPMed 0.69922; gnomAD 0.70529 and 0.70618.
gnomAD v4.1: 107,273 of 152,032 alleles (71%); highest among the groups gnomAD compares: Admixed American, 78%; 38,226 homozygotes.

Submission:

GeneDx
Classification: Benign. Last evaluated: 2018-06-14. Review status: criteria provided, single submitter. Criteria: GeneDx Variant Classification (06012015). Collection method: clinical testing. Allele origin: germline. Affected: yes.
Comment: This variant is considered likely benign or benign based on one or more of the following criteria: it is a conservative change, it occurs at a poorly conserved position in the protein, it is predicted to be benign by multiple in silico algorithms, and/or has population frequency not consistent with disease.

NM_003659.4(AGPS):c.1285+306G>T

Gene: AGPS (alkylglycerone phosphate synthase; plus strand). Cytogenetic location: 2q31.2.
Variant type: single nucleotide variant.
Coding change: c.1285+306G>T on transcript NM_003659.4 (MANE Select); 306 bases into the intron after coding-DNA position 1285, G replaced by T.
Molecular consequence: intron variant.
Genome position (GRCh38, 1-based): chr2:177,493,505, G>T. VCF-style: chr2-177493505-G-T. GRCh37 (hg19) VCF-style: chr2-178358233-G-T.
Identifiers: ClinVar variation 683777 (VCV000683777.1), dbSNP rs1348848, ClinGen allele CA15167858.